The following is an entry in ClinVar:

NM_001291303.3(FAT4):c.10469C>T (p.Pro3490Leu)

Gene: FAT4 (FAT atypical cadherin 4; plus strand). Cytogenetic location: 4q28.1.
Variant type: single nucleotide variant.
Coding change: c.10469C>T on transcript NM_001291303.3 (MANE Select); coding-DNA position 10469, C replaced by T.
Protein change: p.Pro3490Leu; replaces proline 3490 with leucine.
Molecular consequence: missense variant.
Genome position (GRCh38, 1-based): chr4:125,451,479, C>T. VCF-style: chr4-125451479-C-T. GRCh37 (hg19) VCF-style: chr4-126372634-C-T.
Other names: c.10469C>T, p.Pro3490Leu (NM_001291285.3, NM_001438396.1, NM_001438397.1); c.5240C>T, p.Pro1747Leu (NM_001437895.1); c.10463C>T, p.Pro3488Leu (NM_024582.6); short protein forms P1747L, P3488L, P3490L.
Identifiers: ClinVar variation 4074498 (VCV004074498.1).

ClinVar aggregate classification (germline): Uncertain significance (1 of 4 stars; one submission).

gnomAD v4.1: 3 of 1,614,002 alleles (0.00019%); highest among the groups gnomAD compares: Non-Finnish European, 0.00025%; no homozygotes.

Submission:

GeneDx
Classification: Uncertain significance. Last evaluated: 2025-02-07. Review status: criteria provided, single submitter. Criteria: GeneDx Variant Classification Process June 2021. Collection method: clinical testing. Allele origin: germline. Affected: yes.
Comment: Not observed at significant frequency in large population cohorts (gnomAD); In silico analysis supports that this missense variant has a deleterious effect on protein structure/function; Has not been previously published as pathogenic or benign to our knowledge